The following is an entry in ClinVar:

ClinVar aggregate classification (germline): Uncertain significance (1 of 4 stars; one submission).

Conditions:
Dilated cardiomyopathy 1W (CMD1W). Identifiers: Orphanet 154, MedGen C1969639, MONDO:0012667, OMIM 611407.

Submission:

Labcorp Genetics (formerly Invitae), Labcorp
Classification: Uncertain significance for Dilated cardiomyopathy 1W. Last evaluated: 2025-10-09. Review status: criteria provided, single submitter. Criteria: Invitae Variant Classification Sherloc (09022015). Collection method: clinical testing. Allele origin: germline.
Comment: This variant, c.78_79delinsTT, is a complex sequence change that results in the deletion of 2 and insertion of 2 amino acid(s) in the VCL protein (p.Met26_His27delinsIleTyr). Information on the frequency of this variant in the gnomAD database is not available, as this variant may be reported differently in the database. This variant has not been reported in the literature in individuals affected with VCL-related conditions. Experimental studies and prediction algorithms are not available or were not evaluated, and the functional significance of this variant is currently unknown. In summary, the available evidence is currently insufficient to determine the role of this variant in disease. Therefore, it has been classified as a Variant of Uncertain Significance.

NM_014000.3(VCL):c.78_79delinsTT (p.Met26_His27delinsIleTyr)

Genes: VCL (vinculin; plus strand), LOC130004109 (ATAC-STARR-seq lymphoblastoid active region 3587; plus strand). Cytogenetic location: 10q22.2.
Variant type: Indel.
Coding change: c.78_79delinsTT on transcript NM_014000.3 (MANE Select); coding-DNA positions 78 to 79, GC replaced by TT.
Protein change: p.Met26_His27delinsIleTyr.
Molecular consequence: missense variant.
Genome position (GRCh38, 1-based): chr10:73,998,285-73,998,286, GC replaced by TT. VCF-style: chr10-73998285-GC-TT. GRCh37 (hg19) VCF-style: chr10-75758043-GC-TT.
Other names: c.78_79delinsTT, p.Met26_His27delinsIleTyr (NM_003373.4).
Identifiers: ClinVar variation 4728835 (VCV004728835.1).
Genomic context (GRCh38, chr10:73,998,285, plus strand): 5'-GCGCACGATCGAGAGCATCCTGGAGCCGGTGGCACAGCAGATCTCCCACCTGGTGATAAT[GC>TT]ACGAGGAGGGCGAGGTGGACGGCAAAGCCATTCCTGACCTCACCGCGCCCGTGGCCGCCG-3'